The following is an entry in ClinVar:

NM_020686.6(ABAT):c.1366A>G (p.Ile456Val)

Gene: ABAT (4-aminobutyrate aminotransferase; plus strand). Cytogenetic location: 16p13.2.
Variant type: single nucleotide variant.
Coding change: c.1366A>G on transcript NM_020686.6 (MANE Select); coding-DNA position 1366, A replaced by G.
Protein change: p.Ile456Val; replaces isoleucine 456 with valine.
Molecular consequence: missense variant. On other transcripts: intron variant (1).
Genome position (GRCh38, 1-based): chr16:8,779,575, A>G. VCF-style: chr16-8779575-A-G. GRCh37 (hg19) VCF-style: chr16-8873432-A-G.
Other names: c.1366A>G, p.Ile456Val (NM_000663.5, NM_001127448.2, NM_001386600.1 and 5 more transcripts); c.1327A>G, p.Ile443Val (NM_001386605.1); c.1303A>G, p.Ile435Val (NM_001386606.1, NM_001386607.1); c.1273A>G, p.Ile425Val (NM_001386608.1); c.1231A>G, p.Ile411Val (NM_001386610.1, NM_001386611.1); c.1168A>G, p.Ile390Val (NM_001386612.1, NM_001386613.1); c.1120A>G, p.Ile374Val (NM_001386614.1); c.1462A>G, p.Ile488Val (NM_001386615.1); and 1 more; short protein forms I425V, I435V, I443V, I456V, I390V, I411V, I488V, I374V.
Identifiers: ClinVar variation 1395864 (VCV001395864.5), dbSNP rs1485966037, ClinGen allele CA394690722.

ClinVar aggregate classification (germline): Uncertain significance (1 of 4 stars; one submission).

Conditions:
Gamma-aminobutyric acid transaminase deficiency (GABATD). Also called: GABA aminotransaminase deficiency; GABA transaminase deficiency; Gamma aminobutyrate transaminase deficiency; 4 alpha aminobutyrate transaminase deficiency. Identifiers: Orphanet 2066, MedGen C0342708, MONDO:0013166, OMIM 613163.

Submission:

Labcorp Genetics (formerly Invitae), Labcorp
Classification: Uncertain significance for Gamma-aminobutyric acid transaminase deficiency. Last evaluated: 2022-11-22. Review status: criteria provided, single submitter. Criteria: Invitae Variant Classification Sherloc (09022015). Collection method: clinical testing. Allele origin: germline.
Comment: ClinVar contains an entry for this variant (Variation ID: 1395864). In summary, the available evidence is currently insufficient to determine the role of this variant in disease. Therefore, it has been classified as a Variant of Uncertain Significance. Advanced modeling of protein sequence and biophysical properties (such as structural, functional, and spatial information, amino acid conservation, physicochemical variation, residue mobility, and thermodynamic stability) performed at Invitae indicates that this missense variant is not expected to disrupt ABAT protein function. This variant has not been reported in the literature in individuals affected with ABAT-related conditions. This variant is not present in population databases (gnomAD no frequency). This sequence change replaces isoleucine, which is neutral and non-polar, with valine, which is neutral and non-polar, at codon 456 of the ABAT protein (p.Ile456Val).